The following is an entry in ClinVar:

NM_001142864.4(PIEZO1):c.2599G>A (p.Val867Met)

Genes: HSALR1 (HSP90AB1 associated lncRNA 1; plus strand), PIEZO1 (piezo type mechanosensitive ion channel component 1 (Er blood group); minus strand). Cytogenetic location: 16q24.3.
Variant type: single nucleotide variant.
Coding change: c.2599G>A on transcript NM_001142864.4 (MANE Select); coding-DNA position 2599, G replaced by A.
Protein change: p.Val867Met; replaces valine 867 with methionine.
Molecular consequence: missense variant.
Genome position (GRCh38, 1-based): chr16:88,733,343, C>T on the plus strand (G>A on the coding strand, the complement: PIEZO1 is on the minus strand). VCF-style: chr16-88733343-C-T. GRCh37 (hg19) VCF-style: chr16-88799751-C-T.
Other names: short protein forms V867M.
Identifiers: ClinVar variation 4711110 (VCV004711110.1).

ClinVar aggregate classification (germline): Uncertain significance (1 of 4 stars; one submission).

gnomAD v4.1: 19 of 1,550,186 alleles (0.0012%); highest among the groups gnomAD compares: South Asian, 0.0024%; no homozygotes.

Submission:

Labcorp Genetics (formerly Invitae), Labcorp
Classification: Uncertain significance. Last evaluated: 2025-12-01. Review status: criteria provided, single submitter. Criteria: Invitae Variant Classification Sherloc (09022015). Collection method: clinical testing. Allele origin: germline.
Comment: This sequence change replaces valine, which is neutral and non-polar, with methionine, which is neutral and non-polar, at codon 867 of the PIEZO1 protein (p.Val867Met). This variant is not present in population databases (gnomAD no frequency). This variant has not been reported in the literature in individuals affected with PIEZO1-related conditions. Invitae Evidence Modeling of protein sequence and biophysical properties (such as structural, functional, and spatial information, amino acid conservation, physicochemical variation, residue mobility, and thermodynamic stability) indicates that this missense variant is not expected to disrupt PIEZO1 protein function with a negative predictive value of 80%. In summary, the available evidence is currently insufficient to determine the role of this variant in disease. Therefore, it has been classified as a Variant of Uncertain Significance.